The following is an entry in ClinVar:

ClinVar aggregate classification (germline): Uncertain significance (1 of 4 stars; one submission).

Conditions:
Neurofibromatosis, type 1 (NF1). Also called: Peripheral type neurofibromatosis; VON RECKLINGHAUSEN DISEASE; Neurofibromatosis, type I; NEUROFIBROMATOSIS, TYPE I, SOMATIC. Identifiers: Orphanet 636, MedGen C0027831, MONDO:0018975, OMIM 162200. Disease mechanism: loss of function.

Allele frequency attached by ClinVar (database versions not stated): gnomAD exomes below 0.00001.
gnomAD v4.1: 1 of 1,614,192 alleles (0.000062%); highest among the groups gnomAD compares: Non-Finnish European, 0.000085%; no homozygotes.

Submission:

Labcorp Genetics (formerly Invitae), Labcorp
Classification: Uncertain significance for Neurofibromatosis, type 1. Last evaluated: 2023-06-09. Review status: criteria provided, single submitter. Criteria: Invitae Variant Classification Sherloc (09022015). Collection method: clinical testing. Allele origin: germline.
Comment: This sequence change replaces histidine, which is basic and polar, with arginine, which is basic and polar, at codon 2322 of the NF1 protein (p.His2322Arg). In summary, the available evidence is currently insufficient to determine the role of this variant in disease. Therefore, it has been classified as a Variant of Uncertain Significance. Advanced modeling of protein sequence and biophysical properties (such as structural, functional, and spatial information, amino acid conservation, physicochemical variation, residue mobility, and thermodynamic stability) has been performed at Invitae for this missense variant, however the output from this modeling did not meet the statistical confidence thresholds required to predict the impact of this variant on NF1 protein function. This variant has not been reported in the literature in individuals affected with NF1-related conditions. This variant is not present in population databases (gnomAD no frequency).

NM_001042492.3(NF1):c.7028A>G (p.His2343Arg)

Gene: NF1 (neurofibromin 1; plus strand). Cytogenetic location: 17q11.2.
Variant type: single nucleotide variant.
Coding change: c.7028A>G on transcript NM_001042492.3 (MANE Select); coding-DNA position 7028, A replaced by G.
Protein change: p.His2343Arg; replaces histidine 2343 with arginine.
Molecular consequence: missense variant.
Genome position (GRCh38, 1-based): chr17:31,340,611, A>G. VCF-style: chr17-31340611-A-G. GRCh37 (hg19) VCF-style: chr17-29667629-A-G.
Other names: c.6965A>G, p.His2322Arg (NM_000267.4); short protein forms H2322R, H2343R.
Identifiers: ClinVar variation 2700350 (VCV002700350.3), dbSNP rs2151561886, ClinGen allele CA399015104.